The following is an entry in ClinVar:

NM_052947.4(ALPK2):c.5539C>G (p.Gln1847Glu)

Gene: ALPK2 (alpha kinase 2; minus strand). Cytogenetic location: 18q21.31.
Variant type: single nucleotide variant.
Coding change: c.5539C>G on transcript NM_052947.4 (MANE Select); coding-DNA position 5539, C replaced by G.
Protein change: p.Gln1847Glu; replaces glutamine 1847 with glutamic acid.
Molecular consequence: missense variant.
Genome position (GRCh38, 1-based): chr18:58,524,025, G>C on the plus strand (C>G on the coding strand, the complement: ALPK2 is on the minus strand). VCF-style: chr18-58524025-G-C. GRCh37 (hg19) VCF-style: chr18-56191257-G-C.
Other names: short protein forms Q1847E.
Identifiers: ClinVar variation 1748175 (VCV001748175.3), dbSNP rs80273727, ClinGen allele CA8976448.
Genomic context (GRCh38, chr18:58,524,025, plus strand): 5'-CTTTTCCGTAGCTGTTCTTGATGCAGCAGTAATAGAGTCCCTGGTCCTTCGGACTGGCTT[G>C]CACGATGGCAAAGGAAACAGTGGAGTTGTCCCCTGCACTGCAATGAGGAATATTCACATT-3'
Protein context (NP_443179.3, residues 1837-1857): DNSTVSFAIV[Gln1847Glu]ASPKDQGLYY

ClinVar aggregate classification (germline): Uncertain significance (1 of 4 stars; one submission).

Allele frequency attached by ClinVar (database versions not stated): ExAC 0.00001; TOPMed 0.00001; ESP Exome Variant Server 0.00008.
gnomAD v4.1: 40 of 1,613,780 alleles (0.0025%); highest among the groups gnomAD compares: Non-Finnish European, 0.0034%; no homozygotes.

Submission:

Ambry Genetics
Classification: Uncertain significance. Last evaluated: 2024-04-25. Review status: criteria provided, single submitter. Criteria: Ambry Variant Classification Scheme 2023. Collection method: clinical testing. Allele origin: germline.
Comment: The p.Q1847E variant (also known as c.5539C>G), located in coding exon 6 of the ALPK2 gene, results from a C to G substitution at nucleotide position 5539. The glutamine at codon 1847 is replaced by glutamic acid, an amino acid with highly similar properties. This amino acid position is conserved. In addition, this alteration is predicted to be tolerated by in silico analysis. Since supporting evidence is limited at this time, the clinical significance of this alteration remains unclear.